The following is an entry in ClinVar:

ClinVar aggregate classification (germline): Benign/Likely benign. Review status: criteria provided, multiple submitters, no conflicts (2 of 4 stars). 16 submissions from 16 submitters: Benign (2); Likely benign (14). Last evaluated 2026-02-02.

Conditions:
Multiple endocrine neoplasia type 2A. Also called: MULTIPLE ENDOCRINE NEOPLASIA, TYPE IIA; PTC SYNDROME; SIPPLE SYNDROME; MEN 2A; MEN-2A syndrome; Pheochromocytoma and amyloid producing medullary thyroid carcinoma. Identifiers: Orphanet 247698, Orphanet 653, MedGen C0025268, MeSH D018813, MONDO:0008234, OMIM 171400.
Pheochromocytoma. Also called: MAX-Related Hereditary Paraganglioma-Pheochromocytoma Syndrome. Identifiers: Orphanet 29072, MedGen C0031511, MONDO:0008233, OMIM 171300, HP:0002666.
Familial medullary thyroid carcinoma (MTC). Also called: Thyroid cancer, familial medullary; MTC, familial; Familial Medullary Thyroid Carcinoma (FMTC). Identifiers: Orphanet 653, Orphanet 99361, MedGen C1833921, MONDO:0007958, OMIM 155240.
Multiple endocrine neoplasia type 2B. Also called: MEN 2B; Multiple endocrine neoplasia, type 3; MULTIPLE ENDOCRINE NEOPLASIA, TYPE IIB; MUCOSAL NEUROMA SYNDROME; NEUROMATA, MUCOSAL, WITH ENDOCRINE TUMORS; WAGENMANN-FROBOESE SYNDROME. Identifiers: Orphanet 247709, Orphanet 653, MedGen C0025269, MeSH D018814, MONDO:0008082, OMIM 162300.
Hirschsprung disease, susceptibility to, 1 (HSCR1). Also called: RET-Related Hirschsprung Disease. Identifiers: Orphanet 388, MedGen C3888239, MONDO:0007723, OMIM 142623.
Hereditary cancer-predisposing syndrome. Also called: Neoplastic Syndromes, Hereditary; Tumor predisposition; Hereditary neoplastic syndrome; Hereditary Cancer Syndrome. Identifiers: Orphanet 140162, MedGen C0027672, MeSH D009386, MONDO:0015356.
Multiple endocrine neoplasia, type 2 (MEN2). Identifiers: Orphanet 653, MedGen C4048306, MONDO:0019003. Disease mechanism: gain of function.

Allele frequency attached by ClinVar (database versions not stated): ESP Exome Variant Server 0.00015; 1000 Genomes Project 30x 0.00016; ExAC 0.00023; gnomAD exomes 0.00024; 1000 Genomes Project 0.00020; gnomAD 0.00026 and 0.00027; TOPMed 0.00012.
gnomAD v4.1: 385 of 1,613,928 alleles (0.024%); highest among the groups gnomAD compares: Non-Finnish European, 0.024%; no homozygotes.

Submissions (16):

Labcorp Genetics (formerly Invitae), Labcorp
Classification: Likely benign for Multiple endocrine neoplasia, type 2. Last evaluated: 2026-02-02. Review status: criteria provided, single submitter. Criteria: Invitae Variant Classification Sherloc (09022015). Collection method: clinical testing. Allele origin: germline.

CeGaT Center for Human Genetics Tuebingen
Classification: Likely benign. Last evaluated: 2025-07-01. Review status: criteria provided, single submitter. Criteria: CeGaT Center For Human Genetics Tuebingen Variant Classification Criteria Version 2. Collection method: clinical testing. Allele origin: germline. Affected: yes. Observed: 14 variant alleles.
Comment: RET: BP4, BP7

Center for Genomic Medicine, Rigshospitalet, Copenhagen University Hospital
Classification: Likely benign. Last evaluated: 2025-03-04. Review status: criteria provided, single submitter. Criteria: ACMG Guidelines, 2015. Collection method: clinical testing. Allele origin: germline.

Myriad Genetics, Inc.
Classification: Benign for Multiple endocrine neoplasia type 2A. Last evaluated: 2025-02-27. Review status: criteria provided, single submitter. Criteria: Myriad Autosomal Dominant, Autosomal Recessive and X-Linked Classification Criteria (2023). Collection method: clinical testing. Allele origin: unknown.
Comment: This variant is considered benign. This variant is a silent/synonymous amino acid change and it is not expected to impact splicing.

Laboratory of Genetics, Children's Clinical University Hospital Latvia
Classification: Benign. Last evaluated: 2025-02-16. Review status: criteria provided, single submitter. Criteria: ACMG Guidelines, 2015. Collection method: clinical testing. Allele origin: germline. Affected: yes.

Blueprint Genetics
Classification: Likely benign. Last evaluated: 2024-11-18. Review status: criteria provided, single submitter. Criteria: ACMG Guidelines, 2015. Collection method: clinical testing. Allele origin: germline.

ARUP Laboratories, Molecular Genetics and Genomics, ARUP Laboratories
Classification: Likely benign. Last evaluated: 2024-03-01. Review status: criteria provided, single submitter. Criteria: ARUP Molecular Germline Variant Investigation Process 2024. Collection method: clinical testing. Allele origin: germline.

All of Us Research Program, National Institutes of Health
Classification: Likely benign for Multiple endocrine neoplasia, type 2. Last evaluated: 2024-02-05. Review status: criteria provided, single submitter. Criteria: ACMG Guidelines, 2015. Collection method: clinical testing. Allele origin: germline. Inheritance: Autosomal dominant inheritance. Observed: 55 variant alleles, 55 heterozygotes.
Comment: This study involves interpretation of variants in research participants for the purpose of population health screening. Participant phenotype was not available at the time of variant classification. Additional details can be found in publication PMID: 35346344, PMCID: PMC8962531

Color Diagnostics, LLC DBA Color Health
Classification: Likely benign for Multiple endocrine neoplasia, type 2. Last evaluated: 2022-09-23. Review status: criteria provided, single submitter. Criteria: ACMG Guidelines, 2015. Collection method: clinical testing. Allele origin: germline.

Fulgent Genetics
Classification: Likely benign for Hirschsprung disease, susceptibility to, 1; Familial medullary thyroid carcinoma; Multiple endocrine neoplasia type 2B; Pheochromocytoma; Multiple endocrine neoplasia type 2A. Last evaluated: 2021-11-11. Review status: criteria provided, single submitter. Criteria: ACMG Guidelines, 2015. Collection method: clinical testing. Allele origin: unknown.

Genetic Services Laboratory, University of Chicago
Classification: Likely benign. Last evaluated: 2021-10-19. Review status: criteria provided, single submitter. Criteria: ACMG Guidelines, 2015. Collection method: clinical testing. Allele origin: germline. Affected: no.

Sema4
Classification: Likely benign for Hereditary cancer-predisposing syndrome. Last evaluated: 2020-11-10. Review status: criteria provided, single submitter. Criteria: Sema4 Curation Guidelines. Collection method: curation. Allele origin: germline.

Laboratory for Molecular Medicine, Mass General Brigham Personalized Medicine
Classification: Likely benign. Last evaluated: 2020-05-13. Review status: criteria provided, single submitter. Criteria: LMM Criteria. Collection method: clinical testing. Allele origin: germline. Observed: 1 variant allele.
Comment: The p.Ser891Ser variant in RET is classified as likely benign because it does not alter an amino acid residue, is not located within the splice consensus site, and computational splice prediction tools do not predict an impact on splicing. It has been identified in 0.08% (21/25092) of Finnish chromosomes by gnomAD. ACMG/AMP Criteria applied: BP4, BP7.

GeneDx
Classification: Likely benign. Last evaluated: 2020-02-11. Review status: criteria provided, single submitter. Criteria: GeneDx Variant Classification (06012015). Collection method: clinical testing. Allele origin: germline. Affected: yes.
Comment: This variant is associated with the following publications: (PMID: 19745057, 28647780)

PreventionGenetics, part of Exact Sciences
Classification: Likely benign. Last evaluated: 2017-11-08. Review status: criteria provided, single submitter. Criteria: ACMG Guidelines, 2015. Collection method: clinical testing. Allele origin: germline.

Ambry Genetics
Classification: Likely benign for Hereditary cancer-predisposing syndrome. Last evaluated: 2016-01-25. Review status: criteria provided, single submitter. Criteria: Ambry Variant Classification Scheme 2023. Collection method: clinical testing. Allele origin: germline.

Literature cited by the submitters: PubMed 28647780 (cited by Center for Genomic Medicine, Rigshospitalet, Copenhagen University Hospital).

NM_020975.6(RET):c.2673G>A (p.Ser891=)

Gene: RET (ret proto-oncogene; plus strand). Cytogenetic location: 10q11.21.
Variant type: single nucleotide variant.
Coding change: c.2673G>A on transcript NM_020975.6 (MANE Select); coding-DNA position 2673, G replaced by A.
Protein change: p.Ser891=; no amino-acid change (serine 891 retained).
Molecular consequence: synonymous variant.
Genome position (GRCh38, 1-based): chr10:43,120,146, G>A. VCF-style: chr10-43120146-G-A. GRCh37 (hg19) VCF-style: chr10-43615594-G-A.
Other names: c.2673G>A, p.Ser891= (NM_000323.2, NM_001406743.1, NM_001406744.1 and 4 more transcripts); c.1911G>A, p.Ser637= (NM_001355216.2); c.2544G>A, p.Ser848= (NM_001406761.1, NM_001406762.1, NM_001406764.1); c.2538G>A, p.Ser846= (NM_001406763.1, NM_001406765.1); c.2385G>A, p.Ser795= (NM_001406766.1, NM_001406767.1, NM_001406770.1); c.2409G>A, p.Ser803= (NM_001406768.1); c.2277G>A, p.Ser759= (NM_001406769.1, NM_001406772.1); c.2235G>A, p.Ser745= (NM_001406771.1, NM_001406773.1); and 10 more.
Identifiers: ClinVar variation 24961 (VCV000024961.73), dbSNP rs201620214, ClinGen allele CA008997.
Genomic context (GRCh38, chr10:43,120,146, plus strand): 5'-TCATCGGGACTTGGCAGCCAGAAACATCCTGGTAGCTGAGGGGCGGAAGATGAAGATTTC[G>A]GATTTCGGCTTGTCCCGAGATGTTTATGAAGAGGATTCCTACGTGAAGAGGAGCCAGGTG-3'
Protein context (NP_066124.1, residues 881-901): LVAEGRKMKI[Ser891=]DFGLSRDVYE